The following is an entry in ClinVar:

NM_000124.4(ERCC6):c.2651A>G (p.Lys884Arg)

Gene: ERCC6 (ERCC excision repair 6, chromatin remodeling factor; minus strand). Cytogenetic location: 10q11.23.
Variant type: single nucleotide variant.
Coding change: c.2651A>G on transcript NM_000124.4 (MANE Select); coding-DNA position 2651, A replaced by G.
Protein change: p.Lys884Arg; replaces lysine 884 with arginine.
Molecular consequence: missense variant.
Genome position (GRCh38, 1-based): chr10:49,473,535, T>C on the plus strand (A>G on the coding strand, the complement: ERCC6 is on the minus strand). VCF-style: chr10-49473535-T-C. GRCh37 (hg19) VCF-style: chr10-50681581-T-C.
Other names: c.2651A>G, p.Lys884Arg (NM_001346440.2); short protein forms K884R.
Identifiers: ClinVar variation 2163743 (VCV002163743.1), dbSNP rs2495982861, ClinGen allele CA376720131.

ClinVar aggregate classification (germline): Uncertain significance (1 of 4 stars; one submission).

Allele frequency attached by ClinVar (database versions not stated): gnomAD exomes below 0.00001.
gnomAD v4.1: 3 of 1,613,512 alleles (0.00019%); highest among the groups gnomAD compares: South Asian, 0.0011%; no homozygotes.

Submission:

Labcorp Genetics (formerly Invitae), Labcorp
Classification: Uncertain significance. Last evaluated: 2022-08-21. Review status: criteria provided, single submitter. Criteria: Invitae Variant Classification Sherloc (09022015). Collection method: clinical testing. Allele origin: germline.
Comment: This sequence change replaces lysine, which is basic and polar, with arginine, which is basic and polar, at codon 884 of the ERCC6 protein (p.Lys884Arg). This variant is not present in population databases (gnomAD no frequency). This variant has not been reported in the literature in individuals affected with ERCC6-related conditions. Algorithms developed to predict the effect of missense changes on protein structure and function are either unavailable or do not agree on the potential impact of this missense change (SIFT: "Deleterious"; PolyPhen-2: "Benign"; Align-GVGD: "Class C25"). Algorithms developed to predict the effect of sequence changes on RNA splicing suggest that this variant may disrupt the consensus splice site. In summary, the available evidence is currently insufficient to determine the role of this variant in disease. Therefore, it has been classified as a Variant of Uncertain Significance.